The following is an entry in ClinVar:

ClinVar aggregate classification (germline): Conflicting classifications of pathogenicity. Review status: criteria provided, conflicting classifications (1 of 4 stars). 2 submissions from 2 submitters: Uncertain significance (1); Likely benign (1). Last evaluated 2023-12-05.

Conditions:
Hereditary cancer-predisposing syndrome. Also called: Tumor predisposition; Neoplastic Syndromes, Hereditary; Hereditary neoplastic syndrome; Hereditary Cancer Syndrome. Identifiers: Orphanet 140162, MedGen C0027672, MeSH D009386, MONDO:0015356.

Submissions (2):

Color Diagnostics, LLC DBA Color Health
Classification: Uncertain significance for Hereditary cancer-predisposing syndrome. Last evaluated: 2023-12-05. Review status: criteria provided, single submitter. Criteria: ACMG Guidelines, 2015. Collection method: clinical testing. Allele origin: germline.
Comment: This missense variant replaces serine with isoleucine at codon 1617 of the BRCA2 protein. Computational prediction suggests that this variant may not impact protein structure and function (internally defined REVEL score threshold <= 0.5, PMID: 27666373). To our knowledge, functional studies have not been reported for this variant. This variant has not been reported in individuals affected with BRCA2-related disorders in the literature. This variant has not been identified in the general population by the Genome Aggregation Database (gnomAD). The available evidence is insufficient to determine the role of this variant in disease conclusively. Therefore, this variant is classified as a Variant of Uncertain Significance.

University of Washington Department of Laboratory Medicine, University of Washington
Classification: Likely benign for Hereditary cancer-predisposing syndrome. Last evaluated: 2023-03-23. Review status: criteria provided, single submitter. Criteria: Dines et al. (Genet Med. 2020). Collection method: curation. Allele origin: germline.
Comment: Missense variant in a coldspot region where missense variants are very unlikely to be pathogenic (PMID:31911673).

BRCA2 exon 11 coldspot. Reclassification based on statistical prior probability.

NM_000059.4(BRCA2):c.4850G>T (p.Ser1617Ile)

Gene: BRCA2 (BRCA2 DNA repair associated; plus strand). Cytogenetic location: 13q13.1.
Variant type: single nucleotide variant.
Coding change: c.4850G>T on transcript NM_000059.4 (MANE Select); coding-DNA position 4850, G replaced by T.
Protein change: p.Ser1617Ile; replaces serine 1617 with isoleucine.
Molecular consequence: missense variant.
Genome position (GRCh38, 1-based): chr13:32,339,205, G>T. VCF-style: chr13-32339205-G-T. GRCh37 (hg19) VCF-style: chr13-32913342-G-T.
Other names: short protein forms S1617I.
Identifiers: ClinVar variation 630794 (VCV000630794.7), dbSNP rs397507341, ClinGen allele CA387783386.